The following is an entry in ClinVar:

NM_006904.7(PRKDC):c.6741T>G (p.Asp2247Glu)

Gene: PRKDC (protein kinase, DNA-activated, catalytic subunit; minus strand). Cytogenetic location: 8q11.21.
Variant type: single nucleotide variant.
Coding change: c.6741T>G on transcript NM_006904.7 (MANE Select); coding-DNA position 6741, T replaced by G.
Protein change: p.Asp2247Glu; replaces aspartic acid 2247 with glutamic acid.
Molecular consequence: missense variant.
Genome position (GRCh38, 1-based): chr8:47,855,242, A>C on the plus strand (T>G on the coding strand, the complement: PRKDC is on the minus strand). VCF-style: chr8-47855242-A-C. GRCh37 (hg19) VCF-style: chr8-48767803-A-C.
Other names: c.6741T>G, p.Asp2247Glu (NM_001081640.2); short protein forms D2247E.
Identifiers: ClinVar variation 1755193 (VCV001755193.2), dbSNP rs2551869463, ClinGen allele CA371159215.

ClinVar aggregate classification (germline): Uncertain significance (1 of 4 stars; one submission).

Submission:

Ambry Genetics
Classification: Uncertain significance. Last evaluated: 2022-05-21. Review status: criteria provided, single submitter. Criteria: Ambry Variant Classification Scheme 2023. Collection method: clinical testing. Allele origin: germline.
Comment: The p.D2247E variant (also known as c.6741T>G), located in coding exon 50 of the PRKDC gene, results from a T to G substitution at nucleotide position 6741. The aspartic acid at codon 2247 is replaced by glutamic acid, an amino acid with highly similar properties. This amino acid position is conserved. In addition, this alteration is predicted to be deleterious by in silico analysis. Since supporting evidence is limited at this time, the clinical significance of this alteration remains unclear.